The following is an entry in ClinVar:

NM_000548.5(TSC2):c.1534C>A (p.Leu512Met)

Gene: TSC2 (TSC complex subunit 2; plus strand). Cytogenetic location: 16p13.3.
Variant type: single nucleotide variant.
Coding change: c.1534C>A on transcript NM_000548.5 (MANE Select); coding-DNA position 1534, C replaced by A.
Protein change: p.Leu512Met; replaces leucine 512 with methionine.
Molecular consequence: missense variant. On other transcripts: 5 prime UTR variant (1), non-coding transcript variant (5).
Genome position (GRCh38, 1-based): chr16:2,064,362, C>A. VCF-style: chr16-2064362-C-A. GRCh37 (hg19) VCF-style: chr16-2114363-C-A.
Other names: c.1534C>A, p.Leu512Met (NM_001077183.3, NM_001114382.3, NM_001363528.2 and 6 more transcripts); c.1423C>A, p.Leu475Met (NM_001318827.2, NM_001406670.1, NM_001406678.1); c.1387C>A, p.Leu463Met (NM_001318829.2, NM_001406675.1, NM_001406676.1 and 1 more transcripts); c.934C>A, p.Leu312Met (NM_001318831.2, NM_001406680.1, NM_001406682.1 and 6 more transcripts); c.1567C>A, p.Leu523Met (NM_001318832.2); c.1624C>A, p.Leu542Met (NM_001406667.1, NM_001406668.1); c.1522C>A, p.Leu508Met (NM_001406671.1, NM_001406673.1); c.1477C>A, p.Leu493Met (NM_001406677.1); and 3 more; short protein forms L475M, L493M, L508M, L542M, L512M, L64M, L358M, L463M.
Identifiers: ClinVar variation 2497443 (VCV002497443.2), dbSNP rs772834557, ClinGen allele CA394326298.

ClinVar aggregate classification (germline): Uncertain significance (1 of 4 stars; one submission).

Conditions:
Hereditary cancer-predisposing syndrome. Also called: Neoplastic Syndromes, Hereditary; Hereditary neoplastic syndrome; Tumor predisposition; Hereditary Cancer Syndrome. Identifiers: Orphanet 140162, MedGen C0027672, MeSH D009386, MONDO:0015356.

Submission:

Ambry Genetics
Classification: Uncertain significance for Hereditary cancer-predisposing syndrome. Last evaluated: 2022-12-11. Review status: criteria provided, single submitter. Criteria: Ambry Variant Classification Scheme 2023. Collection method: clinical testing. Allele origin: germline.
Comment: The p.L512M variant (also known as c.1534C>A), located in coding exon 14 of the TSC2 gene, results from a C to A substitution at nucleotide position 1534. The leucine at codon 512 is replaced by methionine, an amino acid with highly similar properties. This amino acid position is conserved. In addition, this alteration is predicted to be deleterious by in silico analysis. Since supporting evidence is limited at this time, the clinical significance of this alteration remains unclear.